The following is an entry in ClinVar:

NM_021930.6(RINT1):c.1343A>G (p.Gln448Arg)

Gene: RINT1 (RAD50 interactor 1; plus strand). Cytogenetic location: 7q22.3.
Variant type: single nucleotide variant.
Coding change: c.1343A>G on transcript NM_021930.6 (MANE Select); coding-DNA position 1343, A replaced by G.
Protein change: p.Gln448Arg; replaces glutamine 448 with arginine.
Molecular consequence: missense variant. On other transcripts: non-coding transcript variant (1).
Genome position (GRCh38, 1-based): chr7:105,551,579, A>G. VCF-style: chr7-105551579-A-G. GRCh37 (hg19) VCF-style: chr7-105192026-A-G.
Other names: c.1109A>G, p.Gln370Arg (NM_001346599.2); c.320A>G, p.Gln107Arg (NM_001346600.2, NM_001346603.2); c.419A>G, p.Gln140Arg (NM_001346601.2); short protein forms Q107R, Q140R, Q370R, Q448R.
Identifiers: ClinVar variation 3227600 (VCV003227600.2), dbSNP rs2485136823, ClinGen allele CA368809617.

ClinVar aggregate classification (germline): Uncertain significance (1 of 4 stars; one submission).

Submission:

Ambry Genetics
Classification: Uncertain significance. Last evaluated: 2025-05-03. Review status: criteria provided, single submitter. Criteria: Ambry Variant Classification Scheme 2023. Collection method: clinical testing. Allele origin: germline.
Comment: The p.Q448R variant (also known as c.1343A>G), located in coding exon 10 of the RINT1 gene, results from an A to G substitution at nucleotide position 1343. The glutamine at codon 448 is replaced by arginine, an amino acid with highly similar properties. This amino acid position is conserved. In addition, this alteration is predicted to be tolerated by in silico analysis. Since supporting evidence is limited at this time, the clinical significance of this alteration remains unclear.